The following is an entry in ClinVar:

NM_000548.5(TSC2):c.4740G>T (p.Arg1580=)

Gene: TSC2 (TSC complex subunit 2; plus strand). Cytogenetic location: 16p13.3.
Variant type: single nucleotide variant.
Coding change: c.4740G>T on transcript NM_000548.5 (MANE Select); coding-DNA position 4740, G replaced by T.
Protein change: p.Arg1580=; no amino-acid change (arginine 1580 retained).
Molecular consequence: synonymous variant.
Genome position (GRCh38, 1-based): chr16:2,086,270, G>T. VCF-style: chr16-2086270-G-T. GRCh37 (hg19) VCF-style: chr16-2136271-G-T.
Other names: c.4539G>T, p.Arg1513= (NM_001077183.3); c.4671G>T, p.Arg1557= (NM_001114382.3); c.4431G>T, p.Arg1477= (NM_001318827.2); c.4395G>T, p.Arg1465= (NM_001318829.2); c.4008G>T, p.Arg1336= (NM_001318831.2); c.4572G>T, p.Arg1524= (NM_001318832.2); c.4542G>T, p.Arg1514= (NM_001363528.2); c.4608G>T, p.Arg1536= (NM_001370404.1); and 1 more.
Identifiers: ClinVar variation 759185 (VCV000759185.19), dbSNP rs930171871, ClinGen allele CA276756374.

ClinVar aggregate classification (germline): Benign/Likely benign. Review status: criteria provided, multiple submitters, no conflicts (2 of 4 stars). 5 submissions from 5 submitters: Benign (2); Likely benign (3). Last evaluated 2025-12-09.

Conditions:
Tuberous sclerosis 2 (TSC2). Identifiers: Orphanet 805, MedGen C1860707, MONDO:0013199, OMIM 613254.
Lymphangiomyomatosis (LAM). Also called: Lymphangioleiomyomatosis; Lymphangioleiomyomatosis, somatic. Identifiers: Orphanet 538, MedGen C0751674, MONDO:0011705, OMIM 606690.
Isolated focal cortical dysplasia type II (FCORD2). Also called: Focal cortical dysplasia type II; CORTICAL DYSPLASIA OF TAYLOR. Identifiers: Orphanet 268994, MedGen C1846385, MONDO:0011818, OMIM 607341, HP:0032051.
Hereditary cancer-predisposing syndrome. Also called: Tumor predisposition; Hereditary Cancer Syndrome; Neoplastic Syndromes, Hereditary; Hereditary neoplastic syndrome. Identifiers: Orphanet 140162, MedGen C0027672, MeSH D009386, MONDO:0015356.

Allele frequency attached by ClinVar (database versions not stated): TOPMed below 0.00001; gnomAD 0.00001.
gnomAD v4.1: 1 of 1,612,728 alleles (0.000062%); highest among the groups gnomAD compares: African/African-American, 0.0013%; no homozygotes.

Submissions (5):

Labcorp Genetics (formerly Invitae), Labcorp
Classification: Likely benign for Tuberous sclerosis 2. Last evaluated: 2025-12-09. Review status: criteria provided, single submitter. Criteria: Invitae Variant Classification Sherloc (09022015). Collection method: clinical testing. Allele origin: germline.

Myriad Genetics, Inc.
Classification: Benign for Tuberous sclerosis 2. Last evaluated: 2025-06-04. Review status: criteria provided, single submitter. Criteria: Myriad Autosomal Dominant, Autosomal Recessive and X-Linked Classification Criteria (2023). Collection method: clinical testing. Allele origin: unknown.
Comment: This variant is considered benign. This variant is a silent/synonymous amino acid change and it is not expected to impact splicing.

Fulgent Genetics
Classification: Likely benign for Lymphangiomyomatosis; Isolated focal cortical dysplasia type II; Tuberous sclerosis 2. Last evaluated: 2022-03-09. Review status: criteria provided, single submitter. Criteria: ACMG Guidelines, 2015. Collection method: clinical testing. Allele origin: unknown.

Genome-Nilou Lab
Classification: Benign for Tuberous sclerosis 2. Last evaluated: 2021-11-07. Review status: criteria provided, single submitter. Criteria: ACMG Guidelines, 2015. Collection method: clinical testing. Allele origin: germline. Affected: no.

Ambry Genetics
Classification: Likely benign for Hereditary cancer-predisposing syndrome. Last evaluated: 2019-12-04. Review status: criteria provided, single submitter. Criteria: Ambry Variant Classification Scheme 2023. Collection method: clinical testing. Allele origin: germline.